The following is an entry in ClinVar:

ClinVar aggregate classification (germline): Uncertain significance (1 of 4 stars; one submission).

Allele frequency attached by ClinVar (database versions not stated): gnomAD 0.00001; ExAC 0.00005; gnomAD exomes 0.00005; TOPMed 0.00001.
gnomAD v4.1: 14 of 1,556,910 alleles (0.0009%); highest among the groups gnomAD compares: Admixed American, 0.025%; no homozygotes.

Submission:

Labcorp Genetics (formerly Invitae), Labcorp
Classification: Uncertain significance. Last evaluated: 2024-01-08. Review status: criteria provided, single submitter. Criteria: Invitae Variant Classification Sherloc (09022015). Collection method: clinical testing. Allele origin: germline.
Comment: This sequence change replaces glutamic acid, which is acidic and polar, with lysine, which is basic and polar, at codon 1210 of the MPDZ protein (p.Glu1210Lys). This variant is present in population databases (rs758503292, gnomAD 0.03%). This variant has not been reported in the literature in individuals affected with MPDZ-related conditions. ClinVar contains an entry for this variant (Variation ID: 1370690). An algorithm developed to predict the effect of missense changes on protein structure and function (PolyPhen-2) suggests that this variant is likely to be disruptive. In summary, the available evidence is currently insufficient to determine the role of this variant in disease. Therefore, it has been classified as a Variant of Uncertain Significance.

NM_001378778.1(MPDZ):c.3628G>A (p.Glu1210Lys)

Gene: MPDZ (multiple PDZ domain crumbs cell polarity complex component; minus strand). Cytogenetic location: 9p23.
Variant type: single nucleotide variant.
Coding change: c.3628G>A on transcript NM_001378778.1 (MANE Select); coding-DNA position 3628, G replaced by A.
Protein change: p.Glu1210Lys; replaces glutamic acid 1210 with lysine.
Molecular consequence: missense variant.
Genome position (GRCh38, 1-based): chr9:13,150,513, C>T on the plus strand (G>A on the coding strand, the complement: MPDZ is on the minus strand). VCF-style: chr9-13150513-C-T. GRCh37 (hg19) VCF-style: chr9-13150512-C-T.
Other names: c.3628G>A, p.Glu1210Lys (NM_001261406.2, NM_001261407.2, NM_001330637.2 and 13 more transcripts); c.3430G>A, p.Glu1144Lys (NM_001375427.1); short protein forms E1210K, E1144K.
Identifiers: ClinVar variation 1370690 (VCV001370690.6), dbSNP rs758503292, ClinGen allele CA4987062.